The following is an entry in ClinVar:

ClinVar aggregate classification (germline): Pathogenic/Likely pathogenic. Review status: criteria provided, multiple submitters, no conflicts (2 of 4 stars). 3 submissions from 3 submitters: Pathogenic (1); Likely pathogenic (2). Last evaluated 2025-10-14.

Conditions:
Holocarboxylase synthetase deficiency. Also called: MULTIPLE CARBOXYLASE DEFICIENCY, EARLY ONSET. Identifiers: Orphanet 79242, MedGen C0268581, MONDO:0009666, OMIM 253270.

Allele frequency attached by ClinVar (database versions not stated): gnomAD exomes below 0.00001; TOPMed below 0.00001.

Submissions (3):

Natera, Inc.
Classification: Likely pathogenic for Holocarboxylase synthetase deficiency. Last evaluated: 2025-10-14. Review status: criteria provided, single submitter. Criteria: Natera Variant Classification Schema (03/2026). Collection method: clinical testing. Allele origin: germline.
Comment: The c.1328dup variant in HLCS is a frameshift variant predicted to shift the reading frame beginning at codon 443 and leads to a stop codon 134 codons downstream. This variant is expected to result in nonsense mediated decay, truncation, or a dysfunctional protein product. This variant is rare in the general population with a frequency below the threshold expected for the associated phenotype(s). Given the available evidence, this variant is classified as Likely Pathogenic.

Baylor Genetics
Classification: Likely pathogenic for Holocarboxylase synthetase deficiency. Last evaluated: 2023-12-04. Review status: criteria provided, single submitter. Criteria: ACMG Guidelines, 2015. Collection method: clinical testing. Allele origin: unknown.

Labcorp Genetics (formerly Invitae), Labcorp
Classification: Pathogenic for Holocarboxylase synthetase deficiency. Last evaluated: 2023-05-10. Review status: criteria provided, single submitter. Criteria: Invitae Variant Classification Sherloc (09022015). Collection method: clinical testing. Allele origin: germline.
Comment: This sequence change creates a premature translational stop signal (p.Met443Ilefs*134) in the HLCS gene. It is expected to result in an absent or disrupted protein product. Loss-of-function variants in HLCS are known to be pathogenic (PMID: 16134170). ClinVar contains an entry for this variant (Variation ID: 2417039). For these reasons, this variant has been classified as Pathogenic. This variant has not been reported in the literature in individuals affected with HLCS-related conditions. This variant is present in population databases (no rsID available, gnomAD 0.003%).

Literature cited by the submitters: PubMed 16134170 (cited by Labcorp Genetics (formerly Invitae), Labcorp).

NM_001352514.2(HLCS):c.1769dup (p.Met590fs)

Gene: HLCS (holocarboxylase synthetase; minus strand). Cytogenetic location: 21q22.13.
Variant type: Duplication.
Coding change: c.1769dup on transcript NM_001352514.2 (MANE Select); coding-DNA position 1769, one base duplicated (T; older notation c.1769dupT).
Protein change: p.Met590fs; shifts the reading frame from methionine 590.
Molecular consequence: frameshift variant. On other transcripts: non-coding transcript variant (2).
Genome position (GRCh38, 1-based): chr21:36,896,983, A duplicated on the plus strand (T on the coding strand, the reverse complement: HLCS is on the minus strand). VCF-style (leftmost placement, unchanged base first): chr21-36896982-C-CA. GRCh37 (hg19) VCF-style: chr21-38269282-C-CA.
Other names: c.1328dup, p.Met443fs (NM_000411.8, NM_001242784.3, NM_001242785.2 and 4 more transcripts); c.1328dup (NM_000411.7); short protein forms M443fs, M590fs.
Identifiers: ClinVar variation 2417039 (VCV002417039.8), dbSNP rs1370055698, ClinGen allele CA638058728.